The following is an entry in ClinVar:

NM_000379.4(XDH):c.3052-2A>G

Gene: XDH (xanthine dehydrogenase; minus strand). Cytogenetic location: 2p23.1.
Variant type: single nucleotide variant.
Coding change: c.3052-2A>G on transcript NM_000379.4 (MANE Select); the canonical splice acceptor site of the intron before coding-DNA position 3052, A replaced by G.
Molecular consequence: splice acceptor variant.
Genome position (GRCh38, 1-based): chr2:31,348,365, T>C on the plus strand (A>G on the coding strand, the complement: XDH is on the minus strand). VCF-style: chr2-31348365-T-C. GRCh37 (hg19) VCF-style: chr2-31571231-T-C.
Identifiers: ClinVar variation 1466652 (VCV001466652.8), dbSNP rs2148755274, ClinGen allele CA346499607.

ClinVar aggregate classification (germline): Likely pathogenic (1 of 4 stars; one submission).

Conditions:
Xanthinuria type II. Also called: Xanthine dehydrogenase and aldehyde oxidase combined deficiency of; XDH and AOX dual deficiency. Identifiers: Orphanet 3467, Orphanet 93602, MedGen C1863688, MONDO:0011346, OMIM 603592.

gnomAD v4.1: 1 of 1,614,032 alleles (0.000062%); highest among the groups gnomAD compares: Non-Finnish European, 0.000085%; no homozygotes.

Submission:

Labcorp Genetics (formerly Invitae), Labcorp
Classification: Likely pathogenic for Xanthinuria type II. Last evaluated: 2022-02-05. Review status: criteria provided, single submitter. Criteria: Invitae Variant Classification Sherloc (09022015). Collection method: clinical testing. Allele origin: germline.
Comment: In summary, the currently available evidence indicates that the variant is pathogenic, but additional data are needed to prove that conclusively. Therefore, this variant has been classified as Likely Pathogenic. Algorithms developed to predict the effect of sequence changes on RNA splicing suggest that this variant may disrupt the consensus splice site. This variant has not been reported in the literature in individuals affected with XDH-related conditions. This variant is not present in population databases (gnomAD no frequency). This sequence change affects an acceptor splice site in intron 27 of the XDH gene. It is expected to disrupt RNA splicing. Variants that disrupt the donor or acceptor splice site typically lead to a loss of protein function (PMID: 16199547), and loss-of-function variants in XDH are known to be pathogenic (PMID: 9153281).

Literature cited by the submitters: PubMed 16199547; PubMed 9153281.